The following is an entry in ClinVar:

NM_015164.4(PLEKHM2):c.1986G>A (p.Ser662=)

Gene: PLEKHM2 (pleckstrin homology and RUN domain containing M2; plus strand). Cytogenetic location: 1p36.21.
Variant type: single nucleotide variant.
Coding change: c.1986G>A on transcript NM_015164.4 (MANE Select); coding-DNA position 1986, G replaced by A.
Protein change: p.Ser662=; no amino-acid change (serine 662 retained).
Molecular consequence: synonymous variant.
Genome position (GRCh38, 1-based): chr1:15,728,733, G>A. VCF-style: chr1-15728733-G-A. GRCh37 (hg19) VCF-style: chr1-16055228-G-A.
Identifiers: ClinVar variation 1045458 (VCV001045458.6), dbSNP rs750948403, ClinGen allele CA617096.

ClinVar aggregate classification (germline): Uncertain significance (1 of 4 stars; one submission).

Allele frequency attached by ClinVar (database versions not stated): ExAC 0.00001; gnomAD exomes 0.00001.
gnomAD v4.1: 10 of 1,606,746 alleles (0.00062%); highest among the groups gnomAD compares: East Asian, 0.0022%; no homozygotes.

Submission:

Labcorp Genetics (formerly Invitae), Labcorp
Classification: Uncertain significance. Last evaluated: 2024-11-18. Review status: criteria provided, single submitter. Criteria: Invitae Variant Classification Sherloc (09022015). Collection method: clinical testing. Allele origin: germline.
Comment: This sequence change affects codon 662 of the PLEKHM2 mRNA. It is a 'silent' change, meaning that it does not change the encoded amino acid sequence of the PLEKHM2 protein. This variant also falls at the last nucleotide of exon 12, which is part of the consensus splice site for this exon. The frequency data for this variant in the population databases is considered unreliable, as metrics indicate poor data quality at this position in the gnomAD database. This variant has not been reported in the literature in individuals affected with PLEKHM2-related conditions. ClinVar contains an entry for this variant (Variation ID: 1045458). Variants that disrupt the consensus splice site are a relatively common cause of aberrant splicing (PMID: 17576681, 9536098). Algorithms developed to predict the effect of sequence changes on RNA splicing suggest that this variant may disrupt the consensus splice site. In summary, the available evidence is currently insufficient to determine the role of this variant in disease. Therefore, it has been classified as a Variant of Uncertain Significance.

Literature cited by the submitters: PubMed 17576681; PubMed 9536098.